The following is an entry in ClinVar:

NM_024665.7(TBL1XR1):c.1532A>T (p.Asp511Val)

Gene: TBL1XR1 (TBL1X/Y related 1; minus strand). Cytogenetic location: 3q26.32.
Variant type: single nucleotide variant.
Coding change: c.1532A>T on transcript NM_024665.7 (MANE Select); coding-DNA position 1532, A replaced by T.
Protein change: p.Asp511Val; replaces aspartic acid 511 with valine.
Molecular consequence: missense variant.
Genome position (GRCh38, 1-based): chr3:177,025,511, T>A on the plus strand (A>T on the coding strand, the complement: TBL1XR1 is on the minus strand). VCF-style: chr3-177025511-T-A. GRCh37 (hg19) VCF-style: chr3-176743299-T-A.
Other names: c.1532A>T, p.Asp511Val (NM_001321193.3, NM_001321194.3, NM_001374327.1 and 2 more transcripts); c.1271A>T, p.Asp424Val (NM_001321195.3, NM_001374330.1); short protein forms D424V, D511V.
Identifiers: ClinVar variation 3252918 (VCV003252918.1), dbSNP rs2473545273.

ClinVar aggregate classification (germline): Uncertain significance (1 of 4 stars; one submission).

Submission:

GeneDx
Classification: Uncertain significance. Last evaluated: 2023-04-16. Review status: criteria provided, single submitter. Criteria: GeneDx Variant Classification Process June 2021. Collection method: clinical testing. Allele origin: germline. Affected: yes.
Comment: Not observed at significant frequency in large population cohorts (gnomAD); In silico analysis supports that this missense variant has a deleterious effect on protein structure/function; Has not been previously published as pathogenic or benign to our knowledge